The following is an entry in ClinVar:

NM_005050.4(ABCD4):c.893A>G (p.Tyr298Cys)

Gene: ABCD4 (ATP binding cassette subfamily D member 4; minus strand). Cytogenetic location: 14q24.3.
Variant type: single nucleotide variant.
Coding change: c.893A>G on transcript NM_005050.4 (MANE Select); coding-DNA position 893, A replaced by G.
Protein change: p.Tyr298Cys; replaces tyrosine 298 with cysteine.
Molecular consequence: missense variant. On other transcripts: non-coding transcript variant (10).
Genome position (GRCh38, 1-based): chr14:74,292,791, T>C on the plus strand (A>G on the coding strand, the complement: ABCD4 is on the minus strand). VCF-style: chr14-74292791-T-C. GRCh37 (hg19) VCF-style: chr14-74759494-T-C.
Other names: c.767A>G, p.Tyr256Cys (NM_001353591.2, NM_001353592.2); c.632A>G, p.Tyr211Cys (NM_001353593.2); c.581A>G, p.Tyr194Cys (NM_001353594.2); c.479A>G, p.Tyr160Cys (NM_001353595.2, NM_001353596.2); c.428A>G, p.Tyr143Cys (NM_001353597.2); c.416A>G, p.Tyr139Cys (NM_001353598.2, NM_001353599.2, NM_001353600.2 and 2 more transcripts); c.104A>G, p.Tyr35Cys (NM_001353602.2, NM_001353603.2, NM_001353604.2 and 6 more transcripts); c.764A>G, p.Tyr255Cys (NM_020323.1); and 2 more; short protein forms Y211C, Y298C, Y139C, Y35C, Y255C, Y256C, Y143C, Y160C.
Identifiers: ClinVar variation 2142681 (VCV002142681.3), dbSNP rs369828476, ClinGen allele CA7267024.

ClinVar aggregate classification (germline): Uncertain significance. Review status: criteria provided, multiple submitters, no conflicts (2 of 4 stars). 2 submissions from 2 submitters: Uncertain significance (2). Last evaluated 2023-03-28.

Conditions:
Inborn genetic diseases. Identifiers: MedGen C0950123, MeSH D030342.
Methylmalonic acidemia with homocystinuria, type cblJ (MAHCJ). Also called: METHYLMALONIC ACIDURIA AND HOMOCYSTINURIA, cblJ TYPE. Identifiers: Orphanet 369955, MedGen C3553915, MONDO:0013925, OMIM 614857.

Allele frequency attached by ClinVar (database versions not stated): gnomAD exomes 0.00001; ExAC 0.00002; TOPMed 0.00002; gnomAD 0.00005; ESP Exome Variant Server 0.00008.
gnomAD v4.1: 27 of 1,613,984 alleles (0.0017%); highest among the groups gnomAD compares: African/African-American, 0.0067%; no homozygotes.

Submissions (2):

Ambry Genetics
Classification: Uncertain significance for Inborn genetic diseases. Last evaluated: 2023-03-28. Review status: criteria provided, single submitter. Criteria: Ambry Variant Classification Scheme 2023. Collection method: clinical testing. Allele origin: germline.

Labcorp Genetics (formerly Invitae), Labcorp
Classification: Uncertain significance for Methylmalonic acidemia with homocystinuria, type cblJ. Last evaluated: 2022-04-09. Review status: criteria provided, single submitter. Criteria: Invitae Variant Classification Sherloc (09022015). Collection method: clinical testing. Allele origin: germline.
Comment: This sequence change replaces tyrosine, which is neutral and polar, with cysteine, which is neutral and slightly polar, at codon 298 of the ABCD4 protein (p.Tyr298Cys). This variant is present in population databases (rs369828476, gnomAD 0.008%). This variant has not been reported in the literature in individuals affected with ABCD4-related conditions. Advanced modeling of protein sequence and biophysical properties (such as structural, functional, and spatial information, amino acid conservation, physicochemical variation, residue mobility, and thermodynamic stability) performed at Invitae indicates that this missense variant is expected to disrupt ABCD4 protein function. In summary, the available evidence is currently insufficient to determine the role of this variant in disease. Therefore, it has been classified as a Variant of Uncertain Significance.